The following is an entry in ClinVar:

NM_002693.3(POLG):c.452T>C (p.Leu151Pro)

Genes: POLG (DNA polymerase gamma, catalytic subunit; minus strand), POLGARF (POLG alternative reading frame; minus strand). Cytogenetic location: 15q26.1.
Variant type: single nucleotide variant.
Coding change: c.452T>C on transcript NM_002693.3 (MANE Select); coding-DNA position 452, T replaced by C.
Protein change: p.Leu151Pro; replaces leucine 151 with proline.
Molecular consequence: missense variant.
Genome position (GRCh38, 1-based): chr15:89,333,303, A>G on the plus strand (T>C on the coding strand, the complement: POLG is on the minus strand). VCF-style: chr15-89333303-A-G. GRCh37 (hg19) VCF-style: chr15-89876534-A-G.
Other names: c.452T>C, p.Leu151Pro (NM_001126131.2); short protein forms L151P.
Identifiers: ClinVar variation 317335 (VCV000317335.15), dbSNP rs749018627, ClinGen allele CA7725111.

ClinVar aggregate classification (germline): Uncertain significance. Review status: criteria provided, multiple submitters, no conflicts (2 of 4 stars). 4 submissions from 4 submitters: Uncertain significance (4). Last evaluated 2026-06-02.

Conditions:
POLG-related disorder. Also called: POLG-Related Spectrum Disorders; POLG-related condition; POLG-Related Disorders. Identifiers: MedGen C4763519.
Hereditary spastic paraplegia. Also called: Familial spastic paraparesis. Identifiers: Orphanet 685, MedGen C0037773, MONDO:0019064. Disease mechanism: loss of function.
Progressive sclerosing poliodystrophy (MTDPS4A). Also called: ALPERS PROGRESSIVE INFANTILE POLIODYSTROPHY; NEURONAL DEGENERATION OF CHILDHOOD WITH LIVER DISEASE, PROGRESSIVE; Alpers Syndrome; Mitochondrial DNA Depletion Syndrome 4A; ALPERS DIFFUSE DEGENERATION OF CEREBRAL GRAY MATTER WITH HEPATIC CIRRHOSIS; Mitochondrial DNA depletion syndrome 4A (Alpers type). Identifiers: Orphanet 726, MedGen C0205710, MONDO:0008758, OMIM 203700.

Allele frequency attached by ClinVar (database versions not stated): gnomAD exomes below 0.00001 and 0.00002; TOPMed 0.00001; ExAC 0.00009.
gnomAD v4.1: 2 of 1,555,476 alleles (0.00013%); highest among the groups gnomAD compares: East Asian, 0.0048%; no homozygotes.

Submissions (4):

Myriad Genetics, Inc.
Classification: Uncertain significance for POLG-related disorder. Last evaluated: 2026-06-02. Review status: criteria provided, single submitter. Criteria: Myriad Autosomal Dominant, Autosomal Recessive and X-Linked Classification Criteria (2023). Collection method: clinical testing. Allele origin: unknown.
Comment: NM_002693.2(POLG):c.452T>C(L151P) is a missense variant classified as a variant of uncertain significance in the context of POLG-related disorders. L151P has been observed in cases with relevant disease (PMID: 33791913, 37250406). Relevant functional assessments of this variant are not available in the literature. L151P has been observed in referenced population frequency databases. In summary, there is insufficient evidence to classify NM_002693.2(POLG):c.452T>C(L151P) as pathogenic or benign. Please note: this variant was assessed in the context of healthy population screening.

Labcorp Genetics (formerly Invitae), Labcorp
Classification: Uncertain significance for Progressive sclerosing poliodystrophy. Last evaluated: 2025-08-21. Review status: criteria provided, single submitter. Criteria: Invitae Variant Classification Sherloc (09022015). Collection method: clinical testing. Allele origin: germline.
Comment: This sequence change replaces leucine, which is neutral and non-polar, with proline, which is neutral and non-polar, at codon 151 of the POLG protein (p.Leu151Pro). The frequency data for this variant in the population databases is considered unreliable, as metrics indicate poor data quality at this position in the gnomAD database. This missense change has been observed in individual(s) with autosomal recessive POLG-related conditions (PMID: 33791913, 37250406). In at least one individual the data is consistent with being in trans (on the opposite chromosome) from a pathogenic variant. ClinVar contains an entry for this variant (Variation ID: 317335). Invitae Evidence Modeling of protein sequence and biophysical properties (such as structural, functional, and spatial information, amino acid conservation, physicochemical variation, residue mobility, and thermodynamic stability) indicates that this missense variant is expected to disrupt POLG protein function with a positive predictive value of 95%. In summary, the available evidence is currently insufficient to determine the role of this variant in disease. Therefore, it has been classified as a Variant of Uncertain Significance.

Illumina Laboratory Services, Illumina
Classification: Uncertain significance for POLG-Related Spectrum Disorders. Last evaluated: 2018-01-13. Review status: criteria provided, single submitter. Criteria: ICSL Variant Classification Criteria 13 December 2019. Collection method: clinical testing. Allele origin: germline.

Genome Diagnostics Laboratory, The Hospital for Sick Children
Classification: Uncertain significance for Hereditary spastic paraplegia. Last evaluated: 2017-04-03. Review status: criteria provided, single submitter. Criteria: ACMG Guidelines, 2015. Collection method: clinical testing. Allele origin: germline. Affected: yes.

Literature cited by the submitters: PubMed 33791913 (cited by Myriad Genetics, Inc. and Labcorp Genetics (formerly Invitae), Labcorp); PubMed 37250406 (cited by Myriad Genetics, Inc. and Labcorp Genetics (formerly Invitae), Labcorp).